The following is an entry in ClinVar:

ClinVar aggregate classification (germline): Uncertain significance (1 of 4 stars; one submission).

Conditions:
Severe combined immunodeficiency due to IKK2 deficiency. Also called: Immunodeficiency 15; IMMUNODEFICIENCY 15B. Identifiers: Orphanet 397787, MedGen C4747743, MONDO:0014267, OMIM 615592.

gnomAD v4.1: 1 of 1,595,390 alleles (0.000063%); highest among the groups gnomAD compares: Non-Finnish European, 0.000085%; no homozygotes.

Submission:

Labcorp Genetics (formerly Invitae), Labcorp
Classification: Uncertain significance for Severe combined immunodeficiency due to IKK2 deficiency. Last evaluated: 2024-01-10. Review status: criteria provided, single submitter. Criteria: Invitae Variant Classification Sherloc (09022015). Collection method: clinical testing. Allele origin: germline.
Comment: This sequence change replaces glutamic acid, which is acidic and polar, with lysine, which is basic and polar, at codon 729 of the IKBKB protein (p.Glu729Lys). This variant is not present in population databases (gnomAD no frequency). This variant has not been reported in the literature in individuals affected with IKBKB-related conditions. Advanced modeling of protein sequence and biophysical properties (such as structural, functional, and spatial information, amino acid conservation, physicochemical variation, residue mobility, and thermodynamic stability) performed at Invitae indicates that this missense variant is not expected to disrupt IKBKB protein function with a negative predictive value of 95%. In summary, the available evidence is currently insufficient to determine the role of this variant in disease. Therefore, it has been classified as a Variant of Uncertain Significance.

NM_001556.3(IKBKB):c.2185G>A (p.Glu729Lys)

Gene: IKBKB (inhibitor of nuclear factor kappa B kinase subunit beta; plus strand). Cytogenetic location: 8p11.21.
Variant type: single nucleotide variant.
Coding change: c.2185G>A on transcript NM_001556.3 (MANE Select); coding-DNA position 2185, G replaced by A.
Protein change: p.Glu729Lys; replaces glutamic acid 729 with lysine.
Molecular consequence: missense variant. On other transcripts: non-coding transcript variant (3).
Genome position (GRCh38, 1-based): chr8:42,329,194, G>A. VCF-style: chr8-42329194-G-A. GRCh37 (hg19) VCF-style: chr8-42186712-G-A.
Other names: c.1993G>A, p.Glu665Lys (NM_001190720.3); c.2008G>A, p.Glu670Lys (NM_001242778.2); short protein forms E670K, E665K, E729K.
Identifiers: ClinVar variation 2716476 (VCV002716476.3), dbSNP rs200867144, ClinGen allele CA371094896.